The following is an entry in ClinVar:

ClinVar aggregate classification (germline): Uncertain significance (1 of 4 stars; one submission).

Submission:

Labcorp Genetics (formerly Invitae), Labcorp
Classification: Uncertain significance. Last evaluated: 2025-03-28. Review status: criteria provided, single submitter. Criteria: Invitae Variant Classification Sherloc (09022015). Collection method: clinical testing. Allele origin: germline.
Comment: This sequence change replaces isoleucine, which is neutral and non-polar, with asparagine, which is neutral and polar, at codon 2790 of the HMCN1 protein (p.Ile2790Asn). This variant is not present in population databases (gnomAD no frequency). This variant has not been reported in the literature in individuals affected with HMCN1-related conditions. An algorithm developed to predict the effect of missense changes on protein structure and function (PolyPhen-2) suggests that this variant is likely to be disruptive. In summary, the available evidence is currently insufficient to determine the role of this variant in disease. Therefore, it has been classified as a Variant of Uncertain Significance.

NM_031935.3(HMCN1):c.8369T>A (p.Ile2790Asn)

Gene: HMCN1 (hemicentin 1; plus strand). Cytogenetic location: 1q31.1.
Variant type: single nucleotide variant.
Coding change: c.8369T>A on transcript NM_031935.3 (MANE Select); coding-DNA position 8369, T replaced by A.
Protein change: p.Ile2790Asn; replaces isoleucine 2790 with asparagine.
Molecular consequence: missense variant.
Genome position (GRCh38, 1-based): chr1:186,076,506, T>A. VCF-style: chr1-186076506-T-A. GRCh37 (hg19) VCF-style: chr1-186045638-T-A.
Other names: short protein forms I2790N.
Identifiers: ClinVar variation 4715642 (VCV004715642.1).